The following is an entry in ClinVar:

ClinVar aggregate classification (germline): Conflicting classifications of pathogenicity. Review status: criteria provided, conflicting classifications (1 of 4 stars). 8 submissions from 7 submitters: Uncertain significance (3); Likely benign (4). 1 of the submissions does not count toward it. Last evaluated 2026-10-09.

Conditions:
Cardiovascular phenotype. Identifiers: MedGen CN230736.
Familial hypobetalipoproteinemia 1. Also called: APOB-Related Familial Hypobetalipoproteinemia; Hypobetalipoproteinemia, normotriglyceridemic; Acanthocytosis with hypobetalipoproteinemia. Identifiers: MedGen C4551990, MONDO:0014252, OMIM 615558.
Hypercholesterolemia, autosomal dominant, type B (FHCL2). Also called: Familial hypercholesterolemia 2; APOB-Related Familial Hypercholesterolemia, Autosomal Dominant; Hyperlipoproteinemia Type IIb; APOLIPOPROTEIN B-100, FAMILIAL DEFECTIVE; APOLIPOPROTEIN B-100, FAMILIAL LIGAND-DEFECTIVE; HYPERCHOLESTEROLEMIA, FAMILIAL, DUE TO LIGAND-DEFECTIVE APOLIPOPROTEIN B. Identifiers: MedGen C1704417, MONDO:0007751, OMIM 144010.
APOB-related disorder. Also called: APOB-related condition; APOB-related disorders.
Familial hypercholesterolemia. Also called: Familial hypercholesterolemias; Familial hypercholesterolaemia. Identifiers: MedGen C0020445, MONDO:0005439.

Allele frequency attached by ClinVar (database versions not stated): gnomAD exomes 0.00006 and 0.00013; ExAC 0.00017; gnomAD 0.00070 and 0.00080; 1000 Genomes Project 30x 0.00078; 1000 Genomes Project 0.00080; TOPMed 0.00080; ESP Exome Variant Server 0.00100.
gnomAD v4.1: 191 of 1,613,086 alleles (0.012%); highest among the groups gnomAD compares: African/African-American, 0.24%; no homozygotes.

Submissions (8):

Cambridge Genomics Laboratory, East Genomic Laboratory Hub, NHS Genomic Medicine Service
Classification: Uncertain significance for Familial hypercholesterolaemia. Last evaluated: 2026-10-09. Review status: criteria provided, single submitter. Criteria: ACGS Best Practice Guidelines for Variant Classification in Rare Disease 2020. Collection method: clinical testing. Allele origin: germline. Affected: yes.

Labcorp Genetics (formerly Invitae), Labcorp
Classification: Likely benign for Familial hypobetalipoproteinemia 1; Hypercholesterolemia, autosomal dominant, type B. Last evaluated: 2025-12-22. Review status: criteria provided, single submitter. Criteria: Invitae Variant Classification Sherloc (09022015). Collection method: clinical testing. Allele origin: germline.

ARUP Laboratories, Molecular Genetics and Genomics, ARUP Laboratories
Classification: Likely benign. Last evaluated: 2025-05-20. Review status: criteria provided, single submitter. Criteria: ARUP Molecular Germline Variant Investigation Process 2024. Collection method: clinical testing. Allele origin: germline.

Quest Diagnostics Nichols Institute San Juan Capistrano
Classification: Likely benign. Last evaluated: 2023-06-07. Review status: criteria provided, single submitter. Criteria: Quest Diagnostics criteria. Collection method: clinical testing. Allele origin: unknown.

Ambry Genetics
Classification: Likely benign for Cardiovascular phenotype. Last evaluated: 2021-11-16. Review status: criteria provided, single submitter. Criteria: Ambry Variant Classification Scheme 2023. Collection method: clinical testing. Allele origin: germline.

Illumina Laboratory Services, Illumina
Classification: Uncertain significance for Hypercholesterolemia, autosomal dominant, type B. Last evaluated: 2018-01-13. Review status: criteria provided, single submitter. Criteria: ICSL Variant Classification Criteria 13 December 2019. Collection method: clinical testing. Allele origin: germline.

Illumina Laboratory Services, Illumina
Classification: Uncertain significance for Familial hypobetalipoproteinemia 1. Last evaluated: 2018-01-13. Review status: criteria provided, single submitter. Criteria: ICSL Variant Classification Criteria 13 December 2019. Collection method: clinical testing. Allele origin: germline.

PreventionGenetics, part of Exact Sciences
Classification: Likely benign for APOB-related condition. Last evaluated: 2019-12-27. Review status: no assertion criteria provided. Collection method: clinical testing. Allele origin: germline. Not counted in ClinVar's aggregate classification.
Comment: This variant is classified as likely benign based on ACMG/AMP sequence variant interpretation guidelines (Richards et al. 2015 PMID: 25741868, with internal and published modifications).

NM_000384.3(APOB):c.13102C>G (p.Gln4368Glu)

Gene: APOB (apolipoprotein B; minus strand). Cytogenetic location: 2p24.1.
Variant type: single nucleotide variant.
Coding change: c.13102C>G on transcript NM_000384.3 (MANE Select); coding-DNA position 13102, C replaced by G.
Protein change: p.Gln4368Glu; replaces glutamine 4368 with glutamic acid.
Molecular consequence: missense variant.
Genome position (GRCh38, 1-based): chr2:21,002,320, G>C on the plus strand (C>G on the coding strand, the complement: APOB is on the minus strand). VCF-style: chr2-21002320-G-C. GRCh37 (hg19) VCF-style: chr2-21225192-G-C.
Other names: short protein forms Q4368E.
Identifiers: ClinVar variation 334072 (VCV000334072.27), dbSNP rs72654424, ClinGen allele CA051891.